The following is an entry in ClinVar:

ClinVar aggregate classification (germline): Conflicting classifications of pathogenicity. Review status: criteria provided, conflicting classifications (1 of 4 stars). 3 submissions from 3 submitters: Uncertain significance (2); Likely benign (1). Last evaluated 2026-04-09.

Conditions:
Inborn genetic diseases. Identifiers: MedGen C0950123, MeSH D030342.
RP1L1-related disorder. Also called: RP1L1-related condition.

gnomAD v4.1: 70 of 1,586,730 alleles (0.0044%); highest among the groups gnomAD compares: Non-Finnish European, 0.0054%; no homozygotes.

Submissions (3):

PreventionGenetics, part of Exact Sciences
Classification: Uncertain significance for RP1L1-related condition. Last evaluated: 2026-04-09. Review status: criteria provided, single submitter. Criteria: ACMG Guidelines, 2015. Collection method: clinical testing. Allele origin: germline.
Comment: The RP1L1 c.2678G>A variant is predicted to result in the amino acid substitution p.Arg893His. To our knowledge, this variant has not been reported in the literature. This variant is reported in 0.0037% of alleles in individuals of South Asian descent in gnomAD. At this time, the clinical significance of this variant is uncertain due to the absence of conclusive functional and genetic evidence.

Ambry Genetics
Classification: Likely benign for Inborn genetic diseases. Last evaluated: 2025-01-22. Review status: criteria provided, single submitter. Criteria: Ambry Variant Classification Scheme 2023. Collection method: clinical testing. Allele origin: germline.

Blueprint Genetics
Classification: Uncertain significance. Last evaluated: 2022-05-01. Review status: criteria provided, single submitter. Criteria: ACMG Guidelines, 2015. Collection method: clinical testing. Allele origin: germline.

NM_178857.6(RP1L1):c.2678G>A (p.Arg893His)

Gene: RP1L1 (RP1 like 1). Cytogenetic location: 8p23.1.
Variant type: single nucleotide variant.
Coding change: c.2678G>A on transcript NM_178857.6 (MANE Select); coding-DNA position 2678, G replaced by A.
Protein change: p.Arg893His; replaces arginine 893 with histidine.
Molecular consequence: missense variant.
Genome position (GRCh38, 1-based): chr8:10,611,420, C>T on the plus strand (G>A on the coding strand, the complement: RP1L1 is on the minus strand). VCF-style: chr8-10611420-C-T. GRCh37 (hg19) VCF-style: chr8-10468930-C-T.
Other names: short protein forms R893H.
Identifiers: ClinVar variation 3790234 (VCV003790234.3).
Genomic context (GRCh38, chr8:10,611,420, plus strand): 5'-GCACTGCTTCTCCTTGATGCCCCTGAATTGGGGCCTGGGGACGGCGTGGGGCCTGGCTGG[C>T]GTGTCCCCTCCTGCGGGCTCCCACCTGGCCCCCGGGCAGTGCTTTGGTGGCTGCTGCCGG-3'
Protein context (NP_849188.4, residues 883-903): GPGGSPQEGT[Arg893His]QPGPTPSPGP